The following is an entry in ClinVar:

ClinVar aggregate classification (germline): Conflicting classifications of pathogenicity. Review status: criteria provided, conflicting classifications (1 of 4 stars). 8 submissions from 8 submitters: Uncertain significance (6); Likely benign (2). Last evaluated 2026-01-25.

Conditions:
Multiple endocrine neoplasia, type 2 (MEN2). Identifiers: Orphanet 653, MedGen C4048306, MONDO:0019003. Disease mechanism: gain of function.
RET-related disorder. Also called: RET-related condition; RET-related disease; RET-related disorders.
Hereditary cancer-predisposing syndrome. Also called: Tumor predisposition; Hereditary Cancer Syndrome; Hereditary neoplastic syndrome; Neoplastic Syndromes, Hereditary. Identifiers: Orphanet 140162, MedGen C0027672, MeSH D009386, MONDO:0015356.
Hirschsprung disease, susceptibility to, 1 (HSCR1). Also called: RET-Related Hirschsprung Disease. Identifiers: Orphanet 388, MedGen C3888239, MONDO:0007723, OMIM 142623.

Allele frequency attached by ClinVar (database versions not stated): gnomAD exomes 0.00001 and 0.00002; ExAC 0.00002; gnomAD 0.00003 and 0.00004; TOPMed 0.00004.
gnomAD v4.1: 19 of 1,613,926 alleles (0.0012%); highest among the groups gnomAD compares: South Asian, 0.0066%; no homozygotes.

Submissions (8):

Labcorp Genetics (formerly Invitae), Labcorp
Classification: Uncertain significance for Multiple endocrine neoplasia, type 2. Last evaluated: 2026-01-25. Review status: criteria provided, single submitter. Criteria: Invitae Variant Classification Sherloc (09022015). Collection method: clinical testing. Allele origin: germline.
Comment: This sequence change replaces arginine, which is basic and polar, with tryptophan, which is neutral and slightly polar, at codon 474 of the RET protein (p.Arg474Trp). This variant is present in population databases (rs775842917, gnomAD 0.01%). This variant has not been reported in the literature in individuals affected with RET-related conditions. ClinVar contains an entry for this variant (Variation ID: 299892). An algorithm developed to predict the effect of missense changes on protein structure and function (PolyPhen-2) suggests that this variant is likely to be disruptive. In summary, the available evidence is currently insufficient to determine the role of this variant in disease. Therefore, it has been classified as a Variant of Uncertain Significance.

Color Diagnostics, LLC DBA Color Health
Classification: Likely benign for Multiple endocrine neoplasia, type 2. Last evaluated: 2025-07-10. Review status: criteria provided, single submitter. Criteria: ACMG Guidelines, 2015. Collection method: clinical testing. Allele origin: germline.

All of Us Research Program, National Institutes of Health
Classification: Uncertain significance for Multiple endocrine neoplasia, type 2. Last evaluated: 2024-02-05. Review status: criteria provided, single submitter. Criteria: ACMG Guidelines, 2015. Collection method: clinical testing. Allele origin: germline. Inheritance: Autosomal dominant inheritance. Observed: 5 variant alleles, 5 heterozygotes.
Comment: This missense variant replaces arginine with tryptophan at codon 474 of the RET protein. Computational prediction suggests that this variant may not impact protein structure and function (internally defined REVEL score threshold <= 0.5, PMID: 27666373). To our knowledge, functional studies have not been reported for this variant. This variant has not been reported in individuals affected with RET-related disorders in the literature. This variant has been identified in 4/251350 chromosomes in the general population by the Genome Aggregation Database (gnomAD). The available evidence is insufficient to determine the role of this variant in disease conclusively. Therefore, this variant is classified as a Variant of Uncertain Significance.

This study involves interpretation of variants in research participants for the purpose of population health screening. Participant phenotype was not available at the time of variant classification. Additional details can be found in publication PMID: 35346344, PMCID: PMC8962531

GeneDx
Classification: Uncertain significance. Last evaluated: 2023-08-14. Review status: criteria provided, single submitter. Criteria: GeneDx Variant Classification Process June 2021. Collection method: clinical testing. Allele origin: germline. Affected: yes.
Comment: Not observed at significant frequency in large population cohorts (gnomAD); In silico analysis supports that this missense variant has a deleterious effect on protein structure/function; Has not been previously published as pathogenic or benign to our knowledge; This variant is associated with the following publications: (PMID: 14633923)

Baylor Genetics
Classification: Uncertain significance for Hirschsprung disease, susceptibility to, 1. Last evaluated: 2023-07-06. Review status: criteria provided, single submitter. Criteria: ACMG Guidelines, 2015. Collection method: clinical testing. Allele origin: unknown.

PreventionGenetics, part of Exact Sciences
Classification: Uncertain significance for RET-related condition. Last evaluated: 2023-07-03. Review status: criteria provided, single submitter. Criteria: ACMG Guidelines, 2015. Collection method: clinical testing. Allele origin: germline.
Comment: The RET c.1420C>T variant is predicted to result in the amino acid substitution p.Arg474Trp. To our knowledge, this variant has not been reported in the literature. This variant is reported in 0.012% of alleles in individuals of African descent in gnomAD. It is reported in ClinVar with conflicting interpretations of uncertain and likely benign. Although we suspect that this variant may be benign, at this time, the clinical significance of this variant is uncertain due to the absence of conclusive functional and genetic evidence.

Ambry Genetics
Classification: Likely benign for Hereditary cancer-predisposing syndrome. Last evaluated: 2022-08-08. Review status: criteria provided, single submitter. Criteria: Ambry Variant Classification Scheme 2023. Collection method: clinical testing. Allele origin: germline.

Breakthrough Genomics
Classification: Uncertain significance. Review status: criteria provided, single submitter. Criteria: ACMG Guidelines, 2015. Collection method: not provided. Allele origin: germline. Inheritance: Autosomal dominant inheritance. Affected: yes.

NM_020975.6(RET):c.1420C>T (p.Arg474Trp)

Gene: RET (ret proto-oncogene; plus strand). Cytogenetic location: 10q11.21.
Variant type: single nucleotide variant.
Coding change: c.1420C>T on transcript NM_020975.6 (MANE Select); coding-DNA position 1420, C replaced by T.
Protein change: p.Arg474Trp; replaces arginine 474 with tryptophan.
Molecular consequence: missense variant.
Genome position (GRCh38, 1-based): chr10:43,111,363, C>T. VCF-style: chr10-43111363-C-T. GRCh37 (hg19) VCF-style: chr10-43606811-C-T.
Other names: c.1420C>T, p.Arg474Trp (NM_000323.2, NM_001406743.1, NM_001406744.1 and 6 more transcripts); c.658C>T, p.Arg220Trp (NM_001355216.2); c.1291C>T, p.Arg431Trp (NM_001406761.1, NM_001406762.1, NM_001406764.1 and 1 more transcripts); c.1132C>T, p.Arg378Trp (NM_001406766.1, NM_001406767.1, NM_001406770.1); c.1024C>T, p.Arg342Trp (NM_001406769.1, NM_001406772.1); c.982C>T, p.Arg328Trp (NM_001406771.1, NM_001406773.1); c.895C>T, p.Arg299Trp (NM_001406774.1); c.694C>T, p.Arg232Trp (NM_001406775.1, NM_001406776.1, NM_001406777.1 and 1 more transcripts); and 1 more; short protein forms R474W, R220W, R342W, R144W, R299W, R232W, R328W, R378W.
Identifiers: ClinVar variation 299892 (VCV000299892.22), dbSNP rs775842917, ClinGen allele CA033490.